The following is an entry in ClinVar:

ClinVar aggregate classification (germline): Uncertain significance (1 of 4 stars; one submission).

Conditions:
Primary ciliary dyskinesia. Also called: Ciliary dyskinesia. Identifiers: Orphanet 244, MedGen C0008780, MONDO:0016575, HP:0012265.

Allele frequency attached by ClinVar (database versions not stated): gnomAD exomes 0.00002.
gnomAD v4.1: 14 of 1,611,472 alleles (0.00087%); highest among the groups gnomAD compares: Non-Finnish European, 0.0012%; no homozygotes.

Submission:

Labcorp Genetics (formerly Invitae), Labcorp
Classification: Uncertain significance for Primary ciliary dyskinesia. Last evaluated: 2022-07-14. Review status: criteria provided, single submitter. Criteria: Invitae Variant Classification Sherloc (09022015). Collection method: clinical testing. Allele origin: germline.
Comment: In summary, the available evidence is currently insufficient to determine the role of this variant in disease. Therefore, it has been classified as a Variant of Uncertain Significance. Algorithms developed to predict the effect of missense changes on protein structure and function are either unavailable or do not agree on the potential impact of this missense change (SIFT: "Deleterious"; PolyPhen-2: "Not Available"; Align-GVGD: "Class C0"). This variant has not been reported in the literature in individuals affected with DNAH8-related conditions. This variant is not present in population databases (gnomAD no frequency). This sequence change replaces glutamine, which is neutral and polar, with arginine, which is basic and polar, at codon 3131 of the DNAH8 protein (p.Gln3131Arg).

NM_001206927.2(DNAH8):c.9392A>G (p.Gln3131Arg)

Genes: DNAH8 (dynein axonemal heavy chain 8; plus strand), DNAH8-AS1 (DNAH8 antisense RNA 1; minus strand). Cytogenetic location: 6p21.2.
Variant type: single nucleotide variant.
Coding change: c.9392A>G on transcript NM_001206927.2 (MANE Select); coding-DNA position 9392, A replaced by G.
Protein change: p.Gln3131Arg; replaces glutamine 3131 with arginine.
Molecular consequence: missense variant.
Genome position (GRCh38, 1-based): chr6:38,907,999, A>G. VCF-style: chr6-38907999-A-G. GRCh37 (hg19) VCF-style: chr6-38875775-A-G.
Other names: c.8741A>G, p.Gln2914Arg (NM_001371.4); short protein forms Q3131R, Q2914R.
Identifiers: ClinVar variation 1953775 (VCV001953775.5), dbSNP rs1763034118, ClinGen allele CA364001682.
Genomic context (GRCh38, chr6:38,907,999, plus strand): 5'-TTGTCCATTCCTTAAAGATCTCCAACTTGTTTGCACGAGATGAGATGGATGAAATCACCC[A>G]AGGTCTGATTTCAGTGATGAAGAGGGAGCTACCTCGCCATCCTCCTACCTTTGATAATTT-3'
Protein context (NP_001193856.1, residues 3121-3141): FARDEMDEIT[Gln3131Arg]GLISVMKREL